The following is an entry in ClinVar:

ClinVar aggregate classification (germline): Uncertain significance (1 of 4 stars; one submission).

Conditions:
Alpha thalassemia-X-linked intellectual disability syndrome (ATRX). Also called: ALPHA-THALASSEMIA/MENTAL RETARDATION SYNDROME, X-LINKED; ATR, NONDELETION TYPE; ATR-X syndrome; Alpha thalassemia mental retardation syndrome, nondeletion type, X-linked; XLMR hypotonic face syndrome; X-linked alpha-thalassemia-mental retardation syndrome. Identifiers: Orphanet 847, MedGen C1845055, MONDO:0010519, OMIM 301040.

Submission:

Labcorp Genetics (formerly Invitae), Labcorp
Classification: Uncertain significance for Alpha thalassemia-X-linked intellectual disability syndrome. Last evaluated: 2025-12-03. Review status: criteria provided, single submitter. Criteria: Invitae Variant Classification Sherloc (09022015). Collection method: clinical testing. Allele origin: germline.
Comment: This sequence change replaces arginine, which is basic and polar, with isoleucine, which is neutral and non-polar, at codon 1371 of the ATRX protein (p.Arg1371Ile). This variant is not present in population databases (gnomAD no frequency). This variant has not been reported in the literature in individuals affected with ATRX-related conditions. Invitae Evidence Modeling of protein sequence and biophysical properties (such as structural, functional, and spatial information, amino acid conservation, physicochemical variation, residue mobility, and thermodynamic stability) indicates that this missense variant is not expected to disrupt ATRX protein function with a negative predictive value of 95%. In summary, the available evidence is currently insufficient to determine the role of this variant in disease. Therefore, it has been classified as a Variant of Uncertain Significance.

NM_000489.6(ATRX):c.4112G>T (p.Arg1371Ile)

Gene: ATRX (ATRX chromatin remodeler; minus strand). Cytogenetic location: Xq21.1.
Variant type: single nucleotide variant.
Coding change: c.4112G>T on transcript NM_000489.6 (MANE Select); coding-DNA position 4112, G replaced by T.
Protein change: p.Arg1371Ile; replaces arginine 1371 with isoleucine.
Molecular consequence: missense variant.
Genome position (GRCh38, 1-based): chrX:77,663,390, C>A on the plus strand (G>T on the coding strand, the complement: ATRX is on the minus strand). VCF-style: chrX-77663390-C-A. GRCh37 (hg19) VCF-style: chrX-76918879-C-A.
Other names: c.3998G>T, p.Arg1333Ile (NM_138270.5); short protein forms R1333I, R1371I.
Identifiers: ClinVar variation 4801102 (VCV004801102.1).